The following is an entry in ClinVar:

NM_014974.3(DIP2C):c.1264G>A (p.Ala422Thr)

Gene: DIP2C (DIP2 acetate--CoA ligase C (putative); minus strand). Cytogenetic location: 10p15.3.
Variant type: single nucleotide variant.
Coding change: c.1264G>A on transcript NM_014974.3 (MANE Select); coding-DNA position 1264, G replaced by A.
Protein change: p.Ala422Thr; replaces alanine 422 with threonine.
Molecular consequence: missense variant.
Genome position (GRCh38, 1-based): chr10:390,860, C>T on the plus strand (G>A on the coding strand, the complement: DIP2C is on the minus strand). VCF-style: chr10-390860-C-T. GRCh37 (hg19) VCF-style: chr10-436800-C-T.
Other names: c.1264G>A (NM_014974.2); short protein forms A422T.
Identifiers: ClinVar variation 1361651 (VCV001361651.7), dbSNP rs571876332, ClinGen allele CA5380971.
Genomic context (GRCh38, chr10:390,860, plus strand): 5'-TAGTCAAGGCTACAGTAACTCCACAGCTTCCAAGCAAGAAACCTATCTGCTGGCTCCCTG[C>T]GTCCTGAGAGGGCAACAGAGAGGAGTTGAGAATCCACGACCTGCCCCACTCCGCCCAGCC-3'
Protein context (NP_055789.1, residues 412-432): PIEVPLTRKD[Ala422Thr]GSQQIGFLLG

ClinVar aggregate classification (germline): Uncertain significance. Review status: criteria provided, multiple submitters, no conflicts (2 of 4 stars). 2 submissions from 2 submitters: Uncertain significance (2). Last evaluated 2024-06-22.

Conditions:
Inborn genetic diseases. Identifiers: MedGen C0950123, MeSH D030342.

gnomAD v4.1: 14 of 1,613,718 alleles (0.00087%); highest among the groups gnomAD compares: Admixed American, 0.0083%; no homozygotes.

Submissions (2):

Ambry Genetics
Classification: Uncertain significance for Inborn genetic diseases. Last evaluated: 2024-06-22. Review status: criteria provided, single submitter. Criteria: Ambry Variant Classification Scheme 2023. Collection method: clinical testing. Allele origin: germline.

Labcorp Genetics (formerly Invitae), Labcorp
Classification: Uncertain significance. Last evaluated: 2021-10-12. Review status: criteria provided, single submitter. Criteria: Invitae Variant Classification Sherloc (09022015). Collection method: clinical testing. Allele origin: germline.
Comment: This variant is present in population databases (rs571876332, ExAC 0.003%). This sequence change replaces alanine with threonine at codon 422 of the DIP2C protein (p.Ala422Thr). The alanine residue is highly conserved and there is a small physicochemical difference between alanine and threonine. Algorithms developed to predict the effect of missense changes on protein structure and function are either unavailable or do not agree on the potential impact of this missense change (SIFT: "Tolerated"; PolyPhen-2: "Probably Damaging"; Align-GVGD: "Class C0"). In summary, the available evidence is currently insufficient to determine the role of this variant in disease. Therefore, it has been classified as a Variant of Uncertain Significance. This variant has not been reported in the literature in individuals affected with DIP2C-related conditions.